The following is an entry in ClinVar:

NM_005228.5(EGFR):c.1816C>G (p.Leu606Val)

Gene: EGFR (epidermal growth factor receptor; plus strand). Cytogenetic location: 7p11.2.
Variant type: single nucleotide variant.
Coding change: c.1816C>G on transcript NM_005228.5 (MANE Select); coding-DNA position 1816, C replaced by G.
Protein change: p.Leu606Val; replaces leucine 606 with valine.
Molecular consequence: missense variant.
Genome position (GRCh38, 1-based): chr7:55,165,373, C>G. VCF-style: chr7-55165373-C-G. GRCh37 (hg19) VCF-style: chr7-55233066-C-G.
Other names: c.1816C>G (NM_005228.3); c.1681C>G, p.Leu561Val (NM_001346897.2, NM_001346899.2); c.1816C>G, p.Leu606Val (NM_001346898.2, NM_201282.2, NM_201284.2); c.1657C>G, p.Leu553Val (NM_001346900.2); c.1015C>G, p.Leu339Val (NM_001346941.2); short protein forms L606V, L561V, L339V, L553V.
Identifiers: ClinVar variation 584690 (VCV000584690.9), dbSNP rs143152775, ClinGen allele CA4265703.

ClinVar aggregate classification (germline): Conflicting classifications of pathogenicity. Review status: criteria provided, conflicting classifications (1 of 4 stars). 3 submissions from 3 submitters: Uncertain significance (2); Likely benign (1). Last evaluated 2025-11-13.

Conditions:
Hereditary cancer-predisposing syndrome. Also called: Neoplastic Syndromes, Hereditary; Hereditary Cancer Syndrome; Tumor predisposition; Hereditary neoplastic syndrome. Identifiers: Orphanet 140162, MedGen C0027672, MeSH D009386, MONDO:0015356.
EGFR-related lung cancer (EGFR). Identifiers: MedGen CN130014.
Hereditary cancer. Identifiers: MedGen C1333600.

Allele frequency attached by ClinVar (database versions not stated): ExAC 0.00002; gnomAD 0.00005 and 0.00007; TOPMed 0.00007; ESP Exome Variant Server 0.00008.
gnomAD v4.1: 14 of 1,614,102 alleles (0.00087%); highest among the groups gnomAD compares: African/African-American, 0.017%; no homozygotes.

Submissions (3):

Labcorp Genetics (formerly Invitae), Labcorp
Classification: Uncertain significance for EGFR-related lung cancer. Last evaluated: 2025-11-13. Review status: criteria provided, single submitter. Criteria: Invitae Variant Classification Sherloc (09022015). Collection method: clinical testing. Allele origin: germline.
Comment: This sequence change replaces leucine, which is neutral and non-polar, with valine, which is neutral and non-polar, at codon 606 of the EGFR protein (p.Leu606Val). This variant is present in population databases (rs143152775, gnomAD 0.007%). This variant has not been reported in the literature in individuals affected with EGFR-related conditions. ClinVar contains an entry for this variant (Variation ID: 584690). Invitae Evidence Modeling of protein sequence and biophysical properties (such as structural, functional, and spatial information, amino acid conservation, physicochemical variation, residue mobility, and thermodynamic stability) indicates that this missense variant is not expected to disrupt EGFR protein function with a negative predictive value of 80%. In summary, the available evidence is currently insufficient to determine the role of this variant in disease. Therefore, it has been classified as a Variant of Uncertain Significance.

Ambry Genetics
Classification: Likely benign for Hereditary cancer-predisposing syndrome. Last evaluated: 2025-01-17. Review status: criteria provided, single submitter. Criteria: Ambry Variant Classification Scheme 2023. Collection method: clinical testing. Allele origin: germline.

Mendelics
Classification: Uncertain significance for Hereditary cancer. Last evaluated: 2018-07-02. Review status: criteria provided, single submitter. Criteria: Mendelics Assertion Criteria 2017. Collection method: clinical testing. Allele origin: unknown.